The following is an entry in ClinVar:

ClinVar aggregate classification (germline): Likely benign. Review status: criteria provided, multiple submitters, no conflicts (2 of 4 stars). 2 submissions from 2 submitters: Likely benign (2). Last evaluated 2026-01-04.

Conditions:
PLEC-related disorder. Also called: PLEC-related condition; PLEC-related disorders.
Autosomal recessive limb-girdle muscular dystrophy type 2Q (LGMDR17). Also called: MUSCULAR DYSTROPHY, LIMB-GIRDLE, AUTOSOMAL RECESSIVE 17. Identifiers: Orphanet 254361, MedGen C3150989, MONDO:0013390, OMIM 613723.
Epidermolysis bullosa simplex, Ogna type (EBS5A). Also called: Pidermolysis bullosa simplex 5A, Ogna type; EPIDERMOLYSIS BULLOSA SIMPLEX 5A, OGNA TYPE. Identifiers: Orphanet 79401, MedGen C0432317, MONDO:0007555, OMIM 131950.
Epidermolysis bullosa simplex with nail dystrophy (EBS5D). Identifiers: MedGen C4225309, MONDO:0014661, OMIM 616487.
Epidermolysis bullosa simplex 5C, with pyloric atresia (EBS5C). Also called: PLEC-Related Epidermolysis Bullosa with Pyloric Atresia; Epidermolysis bullosa simplex with pyloric atresia; PLEC1-Related Epidermolysis Bullosa with Pyloric Atresia. Identifiers: Orphanet 158684, MedGen C2677349, MONDO:0012807, OMIM 612138.
Epidermolysis bullosa simplex 5B, with muscular dystrophy (EBS5B). Also called: EPIDERMOLYSIS BULLOSA SIMPLEX AND LIMB-GIRDLE MUSCULAR DYSTROPHY; Epidermolysis bullosa simplex with muscular dystrophy. Identifiers: Orphanet 257, MedGen C2931072, MONDO:0009181, OMIM 226670.

Allele frequency attached by ClinVar (database versions not stated): gnomAD exomes 0.00001 and 0.00002; TOPMed 0.00001; gnomAD 0.00003; ExAC 0.00006.
gnomAD v4.1: 33 of 1,591,558 alleles (0.0021%); highest among the groups gnomAD compares: Middle Eastern, 0.017%; no homozygotes.

Submissions (2):

Labcorp Genetics (formerly Invitae), Labcorp
Classification: Likely benign for Autosomal recessive limb-girdle muscular dystrophy type 2Q; Epidermolysis bullosa simplex, Ogna type; Epidermolysis bullosa simplex with nail dystrophy; Epidermolysis bullosa simplex 5C, with pyloric atresia; Epidermolysis bullosa simplex 5B, with muscular dystrophy. Last evaluated: 2026-01-04. Review status: criteria provided, single submitter. Criteria: Invitae Variant Classification Sherloc (09022015). Collection method: clinical testing. Allele origin: germline.

PreventionGenetics, part of Exact Sciences
Classification: Likely benign for PLEC-related condition. Last evaluated: 2024-12-13. Review status: criteria provided, single submitter. Criteria: ACMG Guidelines, 2015. Collection method: clinical testing. Allele origin: germline.
Comment: This variant is classified as likely benign based on ACMG/AMP sequence variant interpretation guidelines (Richards et al. 2015 PMID: 25741868, with internal and published modifications).

NM_201384.3(PLEC):c.11523C>T (p.Ser3841=)

Gene: PLEC (plectin; minus strand). Cytogenetic location: 8q24.3.
Variant type: single nucleotide variant.
Coding change: c.11523C>T on transcript NM_201384.3 (MANE Select); coding-DNA position 11523, C replaced by T.
Protein change: p.Ser3841=; no amino-acid change (serine 3841 retained).
Molecular consequence: synonymous variant.
Genome position (GRCh38, 1-based): chr8:143,918,298, G>A on the plus strand (C>T on the coding strand, the complement: PLEC is on the minus strand). VCF-style: chr8-143918298-G-A. GRCh37 (hg19) VCF-style: chr8-144992466-G-A.
Other names: c.11604C>T, p.Ser3868= (NM_000445.5); c.11481C>T, p.Ser3827= (NM_201378.4); c.11457C>T, p.Ser3819= (NM_201379.3); c.11934C>T, p.Ser3978= (NM_201380.4); c.11427C>T, p.Ser3809= (NM_201381.3); c.11523C>T, p.Ser3841= (NM_201382.4); c.11535C>T, p.Ser3845= (NM_201383.3).
Identifiers: ClinVar variation 861119 (VCV000861119.11), dbSNP rs782625697, ClinGen allele CA4924329.